The following is an entry in ClinVar:

ClinVar aggregate classification (germline): Benign. Review status: criteria provided, multiple submitters, no conflicts (2 of 4 stars). 6 submissions from 5 submitters: Benign (6). Last evaluated 2026-02-04.

Conditions:
Chondrocalcinosis 2. Also called: CALCIUM GOUT; CALCIUM PYROPHOSPHATE ARTHROPATHY; Familial calcium pyrophosphate deposition. Identifiers: Orphanet 1416, MedGen C0856830, MONDO:0007319, OMIM 118600.
Craniometaphyseal dysplasia, autosomal dominant (CMDD). Identifiers: Orphanet 1522, MedGen C1852502, MONDO:0007397, OMIM 123000.

Allele frequency attached by ClinVar (database versions not stated): 1000 Genomes Project 30x 0.11899; 1000 Genomes Project 0.12061; TOPMed 0.13450; gnomAD 0.13744 and 0.13971; ESP Exome Variant Server 0.14885; gnomAD exomes 0.16103 and 0.18294; ExAC 0.16456.
gnomAD v4.1: 288,623 of 1,613,992 alleles (18%); highest among the groups gnomAD compares: Middle Eastern, 26%; 27,910 homozygotes.

Submissions (6):

Labcorp Genetics (formerly Invitae), Labcorp
Classification: Benign. Last evaluated: 2026-02-04. Review status: criteria provided, single submitter. Criteria: Invitae Variant Classification Sherloc (09022015). Collection method: clinical testing. Allele origin: germline.

Genome-Nilou Lab
Classification: Benign for Craniometaphyseal dysplasia, autosomal dominant. Last evaluated: 2021-07-14. Review status: criteria provided, single submitter. Criteria: ACMG Guidelines, 2015. Collection method: clinical testing. Allele origin: germline. Affected: no.

GeneDx
Classification: Benign. Last evaluated: 2018-11-10. Review status: criteria provided, single submitter. Criteria: GeneDx Variant Classification Process June 2021. Collection method: clinical testing. Allele origin: germline. Affected: yes.

Illumina Laboratory Services, Illumina
Classification: Benign for Chondrocalcinosis 2. Last evaluated: 2018-01-13. Review status: criteria provided, single submitter. Criteria: ICSL Variant Classification Criteria 13 December 2019. Collection method: clinical testing. Allele origin: germline.
Comment: This variant was observed in the ICSL laboratory as part of a predisposition screen in an ostensibly healthy population. It had not been previously curated by ICSL or reported in the Human Gene Mutation Database (HGMD: prior to June 1st, 2018), and was therefore a candidate for classification through an automated scoring system. Utilizing variant allele frequency, disease prevalence and penetrance estimates, and inheritance mode, an automated score was calculated to assess if this variant is too frequent to cause the disease. Based on the score and internal cut-off values, a variant classified as benign is not then subjected to further curation. The score for this variant resulted in a classification of benign for this disease.

Illumina Laboratory Services, Illumina
Classification: Benign for Craniometaphyseal dysplasia, autosomal dominant. Last evaluated: 2018-01-13. Review status: criteria provided, single submitter. Criteria: ICSL Variant Classification Criteria 13 December 2019. Collection method: clinical testing. Allele origin: germline.
Comment: the same text as in the submission from Illumina Laboratory Services, Illumina above.

Breakthrough Genomics
Classification: Benign. Review status: criteria provided, single submitter. Criteria: ACMG Guidelines, 2015. Collection method: not provided. Allele origin: germline. Inheritance: Autosomal dominant inheritance. Affected: yes.

NM_054027.6(ANKH):c.294C>T (p.Ala98=)

Gene: ANKH (ANKH inorganic pyrophosphate transport regulator; minus strand). Cytogenetic location: 5p15.2.
Variant type: single nucleotide variant.
Coding change: c.294C>T on transcript NM_054027.6 (MANE Select); coding-DNA position 294, C replaced by T.
Protein change: p.Ala98=; no amino-acid change (alanine 98 retained).
Molecular consequence: synonymous variant.
Genome position (GRCh38, 1-based): chr5:14,768,994, G>A on the plus strand (C>T on the coding strand, the complement: ANKH is on the minus strand). VCF-style: chr5-14768994-G-A. GRCh37 (hg19) VCF-style: chr5-14769103-G-A.
Identifiers: ClinVar variation 351559 (VCV000351559.19), dbSNP rs17251667, ClinGen allele CA3209176.
Genomic context (GRCh38, chr5:14,768,994, plus strand): 5'-TTGCCAAAGCTAGATTCGTCAGTGGCGGTCGGCGGCCTCACCTATCAGTGTGTGAAAGAC[G>A]GCAGCGATGGCCCCTGCCACCACCATACACAGGACGGCTTTGGTCCTGTCTCTCTTGCTG-3'
Protein context (NP_473368.1, residues 88-108): LCMVVAGAIA[Ala98=]VFHTLIAYSD